The following is an entry in ClinVar:

ClinVar aggregate classification (germline): Conflicting classifications of pathogenicity. Review status: criteria provided, conflicting classifications (1 of 4 stars). 5 submissions from 5 submitters: Uncertain significance (4); Likely benign (1). Last evaluated 2026-03-27.

Conditions:
SLC52A3-related disorder. Also called: SLC52A3-related condition.
Brown-Vialetto-van Laere syndrome 1. Also called: BROWN-VIALETTO-VAN LAERE SYNDROME 1, MILD; BULBAR PALSY, PROGRESSIVE, WITH SENSORINEURAL DEAFNESS; PONTOBULBAR PALSY WITH DEAFNESS. Identifiers: Orphanet 572550, Orphanet 97229, MedGen C0796274, MONDO:0024537, OMIM 211530.
Inborn genetic diseases. Identifiers: MedGen C0950123, MeSH D030342.

Allele frequency attached by ClinVar (database versions not stated): gnomAD exomes 0.00006; 1000 Genomes Project 30x 0.00016; 1000 Genomes Project 0.00020; TOPMed 0.00008; ExAC 0.00013; gnomAD 0.00007; ESP Exome Variant Server 0.00008.
gnomAD v4.1: 59 of 1,585,760 alleles (0.0037%); highest among the groups gnomAD compares: Middle Eastern, 0.017%; no homozygotes.

Submissions (5):

GeneDx
Classification: Uncertain significance. Last evaluated: 2026-03-27. Review status: criteria provided, single submitter. Criteria: GeneDx Variant Classification Process June 2021. Collection method: clinical testing. Allele origin: germline.
Comment: In silico analysis suggests that this missense variant does not alter protein structure/function; Has not been previously published as pathogenic or benign to our knowledge

PreventionGenetics, part of Exact Sciences
Classification: Uncertain significance for SLC52A3-related condition. Last evaluated: 2025-12-18. Review status: criteria provided, single submitter. Criteria: ACMG Guidelines, 2015. Collection method: clinical testing. Allele origin: germline.
Comment: The SLC52A3 c.194G>A variant is predicted to result in the amino acid substitution p.Arg65Gln. To our knowledge, this variant has not been reported in the literature. This variant is reported in 0.019% of alleles in individuals of African descent in gnomAD. At this time, the clinical significance of this variant is uncertain due to the absence of conclusive functional and genetic evidence.

Ambry Genetics
Classification: Likely benign for Inborn genetic diseases. Last evaluated: 2023-09-14. Review status: criteria provided, single submitter. Criteria: Ambry Variant Classification Scheme 2023. Collection method: clinical testing. Allele origin: germline.

Labcorp Genetics (formerly Invitae), Labcorp
Classification: Uncertain significance for Brown-Vialetto-van Laere syndrome 1. Last evaluated: 2022-10-18. Review status: criteria provided, single submitter. Criteria: Invitae Variant Classification Sherloc (09022015). Collection method: clinical testing. Allele origin: germline.
Comment: This sequence change replaces arginine, which is basic and polar, with glutamine, which is neutral and polar, at codon 65 of the SLC52A3 protein (p.Arg65Gln). This variant is present in population databases (rs144337813, gnomAD 0.02%). This variant has not been reported in the literature in individuals affected with SLC52A3-related conditions. ClinVar contains an entry for this variant (Variation ID: 476605). Advanced modeling of protein sequence and biophysical properties (such as structural, functional, and spatial information, amino acid conservation, physicochemical variation, residue mobility, and thermodynamic stability) performed at Invitae indicates that this missense variant is not expected to disrupt SLC52A3 protein function. In summary, the available evidence is currently insufficient to determine the role of this variant in disease. Therefore, it has been classified as a Variant of Uncertain Significance.

Revvity Omics, Revvity
Classification: Uncertain significance. Last evaluated: 2020-08-12. Review status: criteria provided, single submitter. Criteria: ACMG Guidelines, 2015. Collection method: clinical testing. Allele origin: germline.

NM_033409.4(SLC52A3):c.194G>A (p.Arg65Gln)

Gene: SLC52A3 (solute carrier family 52 member 3; minus strand). Cytogenetic location: 20p13.
Variant type: single nucleotide variant.
Coding change: c.194G>A on transcript NM_033409.4 (MANE Select); coding-DNA position 194, G replaced by A.
Protein change: p.Arg65Gln; replaces arginine 65 with glutamine.
Molecular consequence: missense variant.
Genome position (GRCh38, 1-based): chr20:765,581, C>T on the plus strand (G>A on the coding strand, the complement: SLC52A3 is on the minus strand). VCF-style: chr20-765581-C-T. GRCh37 (hg19) VCF-style: chr20-746225-C-T.
Other names: c.194G>A, p.Arg65Gln (NM_001370085.1, NM_001370086.1); short protein forms R65Q.
Identifiers: ClinVar variation 476605 (VCV000476605.13), dbSNP rs144337813, ClinGen allele CA9724820.